The following is an entry in ClinVar:

ClinVar aggregate classification (germline): Uncertain significance (1 of 4 stars; one submission).

Conditions:
Transcobalamin II deficiency (TCN2D). Also called: Transcolabamin II deficiency; TC II DEFICIENCY; TCN2 DEFICIENCY. Identifiers: Orphanet 859, MedGen C0342701, MONDO:0010149, OMIM 275350.

Allele frequency attached by ClinVar (database versions not stated): gnomAD exomes 0.00001 and 0.00004; ExAC 0.00006; gnomAD 0.00009 and 0.00011; TOPMed 0.00009; ESP Exome Variant Server 0.00015; 1000 Genomes Project 0.00080; 1000 Genomes Project 30x 0.00094.
gnomAD v4.1: 26 of 1,614,196 alleles (0.0016%); highest among the groups gnomAD compares: African/African-American, 0.035%; no homozygotes.

Submission:

Labcorp Genetics (formerly Invitae), Labcorp
Classification: Uncertain significance for Transcobalamin II deficiency. Last evaluated: 2021-08-26. Review status: criteria provided, single submitter. Criteria: Invitae Variant Classification Sherloc (09022015). Collection method: clinical testing. Allele origin: germline.
Comment: This sequence change replaces serine with glycine at codon 62 of the TCN2 protein (p.Ser62Gly). The serine residue is highly conserved and there is a small physicochemical difference between serine and glycine. This variant is present in population databases (rs145474456, ExAC 0.07%). This variant has not been reported in the literature in individuals affected with TCN2-related conditions. Algorithms developed to predict the effect of missense changes on protein structure and function output the following: SIFT: "Deleterious"; PolyPhen-2: "Benign"; Align-GVGD: "Class C0". The glycine amino acid residue is found in multiple mammalian species, which suggests that this missense change does not adversely affect protein function. In summary, the available evidence is currently insufficient to determine the role of this variant in disease. Therefore, it has been classified as a Variant of Uncertain Significance.

NM_000355.4(TCN2):c.184A>G (p.Ser62Gly)

Gene: TCN2 (transcobalamin 2; plus strand). Cytogenetic location: 22q12.2.
Variant type: single nucleotide variant.
Coding change: c.184A>G on transcript NM_000355.4 (MANE Select); coding-DNA position 184, A replaced by G.
Protein change: p.Ser62Gly; replaces serine 62 with glycine.
Molecular consequence: missense variant.
Genome position (GRCh38, 1-based): chr22:30,610,990, A>G. VCF-style: chr22-30610990-A-G. GRCh37 (hg19) VCF-style: chr22-31006977-A-G.
Other names: c.184A>G, p.Ser62Gly (NM_001184726.2); short protein forms S62G.
Identifiers: ClinVar variation 934188 (VCV000934188.7), dbSNP rs145474456, ClinGen allele CA10184510.